The following is an entry in ClinVar:

ClinVar aggregate classification (germline): Conflicting classifications of pathogenicity. Review status: criteria provided, conflicting classifications (1 of 4 stars). 5 submissions from 5 submitters: Uncertain significance (1); Likely benign (3). 1 of the submissions does not count toward it. Last evaluated 2026-01-19.

Conditions:
PDZD7-related disorder. Also called: PDZD7-related disorders; PDZD7-related condition.

Allele frequency attached by ClinVar (database versions not stated): ExAC 0.00016; gnomAD exomes 0.00018 and 0.00044; 1000 Genomes Project 0.00220; gnomAD 0.00172 and 0.00180; TOPMed 0.00201; 1000 Genomes Project 30x 0.00250.
gnomAD v4.1: 524 of 1,535,392 alleles (0.034%); highest among the groups gnomAD compares: African/African-American, 0.6%; 1 homozygote.

Submissions (5):

Labcorp Genetics (formerly Invitae), Labcorp
Classification: Likely benign. Last evaluated: 2026-01-19. Review status: criteria provided, single submitter. Criteria: Invitae Variant Classification Sherloc (09022015). Collection method: clinical testing. Allele origin: germline.

Blueprint Genetics
Classification: Likely benign. Last evaluated: 2024-11-27. Review status: criteria provided, single submitter. Criteria: ACMG Guidelines, 2015. Collection method: clinical testing. Allele origin: germline.

GeneDx
Classification: Likely benign. Last evaluated: 2020-06-30. Review status: criteria provided, single submitter. Criteria: GeneDx Variant Classification Process June 2021. Collection method: clinical testing. Allele origin: germline. Affected: yes.

Laboratory for Molecular Medicine, Mass General Brigham Personalized Medicine
Classification: Uncertain significance. Last evaluated: 2012-12-19. Review status: criteria provided, single submitter. Criteria: LMM Criteria. Collection method: clinical testing. Allele origin: germline. Observed: 2 variant alleles.
Comment: Variant classified as Uncertain Significance - Favor Benign. The Ala804Val varia nt in PDZD7 has not been reported in the literature nor previously identified by our laboratory. Computational analyses (biochemical amino acid properties, cons ervation, AlignGVGD, PolyPhen2, and SIFT) suggest that the Ala804Val variant may not impact the protein, though this information is not predictive enough to rul e out pathogenicity. The variant occurs in exon 15 which is only present in an a lternate longer transcript of PDZD7, with the major transcript only encoding 10 exons. Therefore, the impact of any variant in this gene region on biological fu nction is unknown. Furthermore, there is inconclusive evidence as to the role of the PDZD7 gene in hearing loss. There is one case report suggesting PDZD7 could cause nonsyndromic hearing loss based upon a patient with a homozygous transloc ation that disrupts the long alternate isoform of PDZD7 (Schneider 2009). There is one case report suggesting PDZD7 may be a modifier of the severity of Usher s yndrome (Ebermann 2010). However, no biallelic mutations have been found in Ushe r patients to date despite screening in 205 cases (Ebermann 2010, Besnard 2012). In summary, additional data is needed to determine the role of PDZD7 gene disru ption in disease as well as whether the Ala804Val disrupts protein function.

PreventionGenetics, part of Exact Sciences
Classification: Likely benign for PDZD7-related condition. Last evaluated: 2020-02-19. Review status: no assertion criteria provided. Collection method: clinical testing. Allele origin: germline. Not counted in ClinVar's aggregate classification.
Comment: This variant is classified as likely benign based on ACMG/AMP sequence variant interpretation guidelines (Richards et al. 2015 PMID: 25741868, with internal and published modifications).

NM_001195263.2(PDZD7):c.2411C>T (p.Ala804Val)

Gene: PDZD7 (PDZ domain containing 7; minus strand). Cytogenetic location: 10q24.31.
Variant type: single nucleotide variant.
Coding change: c.2411C>T on transcript NM_001195263.2 (MANE Select); coding-DNA position 2411, C replaced by T.
Protein change: p.Ala804Val; replaces alanine 804 with valine.
Molecular consequence: missense variant.
Genome position (GRCh38, 1-based): chr10:101,010,478, G>A on the plus strand (C>T on the coding strand, the complement: PDZD7 is on the minus strand). VCF-style: chr10-101010478-G-A. GRCh37 (hg19) VCF-style: chr10-102770235-G-A.
Other names: short protein forms A804V.
Identifiers: ClinVar variation 44128 (VCV000044128.19), dbSNP rs397516635, ClinGen allele CA133633.